The following is an entry in ClinVar:

NM_006506.5(RASA2):c.1394A>T (p.Asn465Ile)

Gene: RASA2 (RAS p21 protein activator 2; plus strand). Cytogenetic location: 3q23.
Variant type: single nucleotide variant.
Coding change: c.1394A>T on transcript NM_006506.5 (MANE Select); coding-DNA position 1394, A replaced by T.
Protein change: p.Asn465Ile; replaces asparagine 465 with isoleucine.
Molecular consequence: missense variant.
Genome position (GRCh38, 1-based): chr3:141,573,978, A>T. VCF-style: chr3-141573978-A-T. GRCh37 (hg19) VCF-style: chr3-141292820-A-T.
Other names: c.1394A>T, p.Asn465Ile (NM_001303245.3, NM_001303246.3); short protein forms N465I.
Identifiers: ClinVar variation 1928199 (VCV001928199.5), dbSNP rs371059099, ClinGen allele CA354778607.

ClinVar aggregate classification (germline): Uncertain significance (1 of 4 stars; one submission).

Submission:

Labcorp Genetics (formerly Invitae), Labcorp
Classification: Uncertain significance. Last evaluated: 2022-05-25. Review status: criteria provided, single submitter. Criteria: Invitae Variant Classification Sherloc (09022015). Collection method: clinical testing. Allele origin: germline.
Comment: In summary, the available evidence is currently insufficient to determine the role of this variant in disease. Therefore, it has been classified as a Variant of Uncertain Significance. This sequence change replaces asparagine, which is neutral and polar, with isoleucine, which is neutral and non-polar, at codon 465 of the RASA2 protein (p.Asn465Ile). This variant is not present in population databases (gnomAD no frequency). This variant has not been reported in the literature in individuals affected with RASA2-related conditions. Algorithms developed to predict the effect of missense changes on protein structure and function (SIFT, PolyPhen-2, Align-GVGD) all suggest that this variant is likely to be tolerated.